The following is an entry in ClinVar:

NM_007126.5(VCP):c.446-5C>T

Gene: VCP (valosin containing protein; minus strand). Cytogenetic location: 9p13.3.
Variant type: single nucleotide variant.
Coding change: c.446-5C>T on transcript NM_007126.5 (MANE Select); 5 bases into the intron before coding-DNA position 446, C replaced by T.
Molecular consequence: intron variant.
Genome position (GRCh38, 1-based): chr9:35,065,386, G>A on the plus strand (C>T on the coding strand, the complement: VCP is on the minus strand). VCF-style: chr9-35065386-G-A. GRCh37 (hg19) VCF-style: chr9-35065383-G-A.
Other names: c.311-5C>T (NM_001354927.2, NM_001354928.2).
Identifiers: ClinVar variation 1079222 (VCV001079222.13), dbSNP rs541980846, ClinGen allele CA5039457.

ClinVar aggregate classification (germline): Conflicting classifications of pathogenicity. Review status: criteria provided, conflicting classifications (1 of 4 stars). 4 submissions from 4 submitters: Uncertain significance (1); Likely benign (3). Last evaluated 2025-11-18.

Conditions:
Inborn genetic diseases. Identifiers: MedGen C0950123, MeSH D030342.
Inclusion body myopathy with Paget disease of bone and frontotemporal dementia. Also called: Inclusion body myopathy with early-onset Paget disease and frontotemporal dementia. Identifiers: Orphanet 52430, MedGen C1833662, MONDO:0000507.
Frontotemporal dementia and/or amyotrophic lateral sclerosis 6 (FTDALS6). Also called: VCP-Related Amyotrophic Lateral Sclerosis; VCP-Related Amyotrophic Lateral Sclerosis/Frontotemporal Dementia. Identifiers: Orphanet 275872, Orphanet 803, MedGen C5436279, MONDO:0013501, OMIM 613954.

Allele frequency attached by ClinVar (database versions not stated): gnomAD 0.00001; gnomAD exomes 0.00002; TOPMed 0.00003; ExAC 0.00004; 1000 Genomes Project 30x 0.00016; 1000 Genomes Project 0.00020.
gnomAD v4.1: 28 of 1,614,098 alleles (0.0017%); highest among the groups gnomAD compares: South Asian, 0.0044%; no homozygotes.

Submissions (4):

Labcorp Genetics (formerly Invitae), Labcorp
Classification: Likely benign for Inclusion body myopathy with Paget disease of bone and frontotemporal dementia; Frontotemporal dementia and/or amyotrophic lateral sclerosis 6. Last evaluated: 2025-11-18. Review status: criteria provided, single submitter. Criteria: Invitae Variant Classification Sherloc (09022015). Collection method: clinical testing. Allele origin: germline.

Women's Health and Genetics/Laboratory Corporation of America, LabCorp
Classification: Likely benign. Last evaluated: 2025-06-26. Review status: criteria provided, single submitter. Criteria: LabCorp Variant Classification Summary - May 2015. Collection method: clinical testing. Allele origin: germline.

Blueprint Genetics
Classification: Likely benign. Last evaluated: 2024-06-28. Review status: criteria provided, single submitter. Criteria: ACMG Guidelines, 2015. Collection method: clinical testing. Allele origin: germline.

Ambry Genetics
Classification: Uncertain significance for Inborn genetic diseases. Last evaluated: 2021-08-02. Review status: criteria provided, single submitter. Criteria: Ambry Variant Classification Scheme 2023. Collection method: clinical testing. Allele origin: germline.
Comment: The c.446-5C>T intronic variant results from a C to T substitution 5 nucleotides upstream from coding exon 5 in the VCP gene. This nucleotide position is not well conserved in available vertebrate species. In silico splice site analysis predicts that this alteration will not have any significant effect on splicing. Since supporting evidence is limited at this time, the clinical significance of this alteration remains unclear.